The following is an entry in ClinVar:

ClinVar aggregate classification (germline): Pathogenic (1 of 4 stars; one submission).

Submission:

Labcorp Genetics (formerly Invitae), Labcorp
Classification: Pathogenic. Last evaluated: 2022-09-27. Review status: criteria provided, single submitter. Criteria: Invitae Variant Classification Sherloc (09022015). Collection method: clinical testing. Allele origin: germline.
Comment: This variant disrupts the triple helix domain of COL2A1. Glycine residues within the Gly-Xaa-Yaa repeats of the triple helix domain are required for the structure and stability of fibrillar collagens (PMID: 7695699, 8218237, 19344236). In COL2A1, variants affecting these glycine residues are significantly enriched in individuals with disease (PMID: 9016532, 17078022) compared to the general population (ExAC). For these reasons, this variant has been classified as Pathogenic. Advanced modeling of protein sequence and biophysical properties (such as structural, functional, and spatial information, amino acid conservation, physicochemical variation, residue mobility, and thermodynamic stability) performed at Invitae indicates that this missense variant is expected to disrupt COL2A1 protein function. ClinVar contains an entry for this variant (Variation ID: 1067359). This missense change has been observed in individuals with clinical features of achondrogenesis (Invitae). This variant is not present in population databases (gnomAD no frequency). This sequence change replaces glycine, which is neutral and non-polar, with aspartic acid, which is acidic and polar, at codon 336 of the COL2A1 protein (p.Gly336Asp).

Literature cited by the submitters: PubMed 7695699; PubMed 8218237; PubMed 19344236; PubMed 9016532; PubMed 17078022.

NM_001844.5(COL2A1):c.1007G>A (p.Gly336Asp)

Gene: COL2A1 (collagen type II alpha 1 chain; minus strand). Cytogenetic location: 12q13.11.
Variant type: single nucleotide variant.
Coding change: c.1007G>A on transcript NM_001844.5 (MANE Select); coding-DNA position 1007, G replaced by A.
Protein change: p.Gly336Asp; replaces glycine 336 with aspartic acid.
Molecular consequence: missense variant.
Genome position (GRCh38, 1-based): chr12:47,992,894, C>T on the plus strand (G>A on the coding strand, the complement: COL2A1 is on the minus strand). VCF-style: chr12-47992894-C-T. GRCh37 (hg19) VCF-style: chr12-48386677-C-T.
Other names: c.800G>A, p.Gly267Asp (NM_033150.3); short protein forms G267D, G336D.
Identifiers: ClinVar variation 1067359 (VCV001067359.10), dbSNP rs2136604776, ClinGen allele CA384555624.
Genomic context (GRCh38, chr12:47,992,894, plus strand): 5'-AAGTGCTCGGCAAATGGTGGTGTTTGGCTTTGTCAATTACTCACCGCAGCGCCAGCAGGG[C>T]CAGTCCGTCCTCTTTCACCAGGCAGGCCACGAGGACCCTGGAACACACACCAGGACAGCC-3'
Protein context (NP_001835.3, residues 326-346): RGLPGERGRT[Gly336Asp]PAGAAGARGN